The following is an entry in ClinVar:

ClinVar aggregate classification (germline): Pathogenic/Likely pathogenic. Review status: criteria provided, multiple submitters, no conflicts (2 of 4 stars). 3 submissions from 3 submitters: Pathogenic (2); Likely pathogenic (1). Last evaluated 2024-12-09.

Conditions:
Familial adenomatous polyposis 1 (FAP1). Also called: POLYPOSIS, ADENOMATOUS INTESTINAL; FAMILIAL ADENOMATOUS POLYPOSIS 1, ATTENUATED. Identifiers: MedGen C2713442, MONDO:0021056, OMIM 175100. Disease mechanism: loss of function.
Hereditary cancer-predisposing syndrome. Also called: Hereditary Cancer Syndrome; Hereditary neoplastic syndrome; Neoplastic Syndromes, Hereditary; Tumor predisposition. Identifiers: Orphanet 140162, MedGen C0027672, MeSH D009386, MONDO:0015356.

Submissions (3):

Labcorp Genetics (formerly Invitae), Labcorp
Classification: Pathogenic for Familial adenomatous polyposis 1. Last evaluated: 2024-12-09. Review status: criteria provided, single submitter. Criteria: Invitae Variant Classification Sherloc (09022015). Collection method: clinical testing. Allele origin: germline.
Comment: This sequence change creates a premature translational stop signal (p.Leu729Profs*32) in the APC gene. While this is not anticipated to result in nonsense mediated decay, it is expected to disrupt the last 2115 amino acid(s) of the APC protein. This variant is not present in population databases (gnomAD no frequency). This variant has not been reported in the literature in individuals affected with APC-related conditions. ClinVar contains an entry for this variant (Variation ID: 1163450). This variant is expected to disrupt the EB1 and HDLG binding sites, which mediate interactions with the cytoskeleton (PMID: 15311282, 17293347). While functional studies have not been performed to directly test the effect on APC protein function, this suggests that disruption of the C-terminal portion of the protein is functionally important. A different truncation (p.Tyr2645Lysfs*14) that lies downstream of this variant has been determined to be pathogenic (PMID: 9824584, 1316610, 27081525, 8381579, 22135120, internal data). This suggests that deletion of this region of the APC protein is causative of disease. For these reasons, this variant has been classified as Pathogenic.

Ambry Genetics
Classification: Pathogenic for Hereditary cancer-predisposing syndrome. Last evaluated: 2022-12-09. Review status: criteria provided, single submitter. Criteria: Ambry Variant Classification Scheme 2023. Collection method: clinical testing. Allele origin: germline.
Comment: The c.2186delT pathogenic mutation, located in coding exon 15 of the APC gene, results from a deletion of one nucleotide at nucleotide position 2186, causing a translational frameshift with a predicted alternate stop codon (p.L729Pfs*32). This alteration has been observed in at least one individual with a personal and/or family history that is consistent with APC-related disease (Ambry internal data). This alteration occurs in the last exon of the APC gene and is not expected to trigger nonsense-mediated mRNA decay. However, the impacted region is considered as critical for protein function (Ambry internal data). In addition, this variant disrupts the protein upstream of other pathogenic premature truncating variants. As such, this alteration is interpreted as a disease-causing mutation.

Mayo Clinic Laboratories, Mayo Clinic
Classification: Likely pathogenic. Last evaluated: 2020-08-12. Review status: criteria provided, single submitter. Criteria: ACMG Guidelines, 2015. Collection method: clinical testing. Allele origin: germline. Observed: 1 variant allele.
Comment: PVS1_Strong, PM2

Literature cited by the submitters: PubMed 15311282 (cited by Labcorp Genetics (formerly Invitae), Labcorp); PubMed 17293347 (cited by Labcorp Genetics (formerly Invitae), Labcorp); PubMed 9824584 (cited by Labcorp Genetics (formerly Invitae), Labcorp); PubMed 1316610 (cited by Labcorp Genetics (formerly Invitae), Labcorp); PubMed 27081525 (cited by Labcorp Genetics (formerly Invitae), Labcorp); PubMed 8381579 (cited by Labcorp Genetics (formerly Invitae), Labcorp); PubMed 22135120 (cited by Labcorp Genetics (formerly Invitae), Labcorp).

NM_000038.6(APC):c.2186del (p.Leu729fs)

Gene: APC (APC regulator of Wnt signaling pathway; plus strand). Cytogenetic location: 5q22.2.
Variant type: Deletion.
Coding change: c.2186del on transcript NM_000038.6 (MANE Select); coding-DNA position 2186, one base deleted (T; older notation c.2186delT).
Protein change: p.Leu729fs; shifts the reading frame from leucine 729.
Molecular consequence: frameshift variant.
Genome position (GRCh38, 1-based): chr5:112,837,780, T deleted. VCF-style (leftmost placement, unchanged base first): chr5-112837779-CT-C. GRCh37 (hg19) VCF-style: chr5-112173476-CT-C.
Other names: c.2186del, p.Leu729fs (NM_001127510.3, NM_001354895.2); c.2132del, p.Leu711fs (NM_001127511.3); c.2240del, p.Leu747fs (NM_001354896.2); c.2216del, p.Leu739fs (NM_001354897.2); c.2111del, p.Leu704fs (NM_001354898.2); c.2102del, p.Leu701fs (NM_001354899.2); c.2063del, p.Leu688fs (NM_001354900.2); c.2009del, p.Leu670fs (NM_001354901.2); and 5 more; short protein forms L446fs, L569fs, L603fs, L628fs, L638fs, L670fs, L688fs, L701fs.
Identifiers: ClinVar variation 1163450 (VCV001163450.9), dbSNP rs2149862736, ClinGen allele CA2499217454.
Genomic context (GRCh38, chr5:112,837,779, plus strand): 5'-AACCTCATTCATTCAAAGCACAAAATGATTGCTATGGGAAGTGCTGCAGCTTTAAGGAAT[CT>C]CATGGCAAATAGGCCTGCGAAGTACAAGGATGCCAATATTATGTCTCCTGGCTCAAGCTT-3'